The following is an entry in ClinVar:

NM_001943.5(DSG2):c.2798T>G (p.Val933Gly)

Genes: DSG2-AS1 (DSG2 antisense RNA 1; minus strand), DSG2 (desmoglein 2; plus strand). Cytogenetic location: 18q12.1.
Variant type: single nucleotide variant.
Coding change: c.2798T>G on transcript NM_001943.5 (MANE Select); coding-DNA position 2798, T replaced by G.
Protein change: p.Val933Gly; replaces valine 933 with glycine.
Molecular consequence: missense variant.
Genome position (GRCh38, 1-based): chr18:31,546,184, T>G. VCF-style: chr18-31546184-T-G. GRCh37 (hg19) VCF-style: chr18-29126147-T-G.
Other names: short protein forms V933G.
Identifiers: ClinVar variation 3637553 (VCV003637553.2).

ClinVar aggregate classification (germline): Uncertain significance (1 of 4 stars; one submission).

Conditions:
Arrhythmogenic right ventricular dysplasia 10. Also called: Arrhythmogenic Right Ventricular Dysplasia/Cardiomyopathy10; Arrhythmogenic right ventricular dysplasia/cardiomyopathy, type 10; ARRHYTHMOGENIC RIGHT VENTRICULAR DYSPLASIA, FAMILIAL, 10. Identifiers: MedGen C1857777, MONDO:0012434, OMIM 610193.

Submission:

Labcorp Genetics (formerly Invitae), Labcorp
Classification: Uncertain significance for Arrhythmogenic right ventricular dysplasia 10. Last evaluated: 2024-05-15. Review status: criteria provided, single submitter. Criteria: Invitae Variant Classification Sherloc (09022015). Collection method: clinical testing. Allele origin: germline.
Comment: This sequence change replaces valine, which is neutral and non-polar, with glycine, which is neutral and non-polar, at codon 933 of the DSG2 protein (p.Val933Gly). This variant is not present in population databases (gnomAD no frequency). This variant has not been reported in the literature in individuals affected with DSG2-related conditions. Advanced modeling of protein sequence and biophysical properties (such as structural, functional, and spatial information, amino acid conservation, physicochemical variation, residue mobility, and thermodynamic stability) performed at Invitae indicates that this missense variant is not expected to disrupt DSG2 protein function with a negative predictive value of 95%. In summary, the available evidence is currently insufficient to determine the role of this variant in disease. Therefore, it has been classified as a Variant of Uncertain Significance.